The following is an entry in ClinVar:

ClinVar aggregate classification (germline): Uncertain significance. Review status: criteria provided, multiple submitters, no conflicts (2 of 4 stars). 6 submissions from 6 submitters: Uncertain significance (6). Last evaluated 2026-01-19.

Conditions:
SMAD3-related disorder. Also called: SMAD3-related condition.
Familial thoracic aortic aneurysm and aortic dissection (TAAD). Also called: Thoracic aortic aneurysms and dissections. Identifiers: Orphanet 91387, MedGen C4707243, MONDO:0019625.
Aneurysm-osteoarthritis syndrome. Also called: SMAD3-Related Loeys-Dietz Syndrome; Loeys-Dietz syndrome, type 1C; ANEURYSMS-OSTEOARTHRITIS SYNDROME; LOEYS-DIETZ SYNDROME WITH OSTEOARTHRITIS. Identifiers: Orphanet 284984, MedGen C3151087, MONDO:0013426, OMIM 613795.

Allele frequency attached by ClinVar (database versions not stated): TOPMed below 0.00001.

Submissions (6):

Labcorp Genetics (formerly Invitae), Labcorp
Classification: Uncertain significance for Familial thoracic aortic aneurysm and aortic dissection. Last evaluated: 2026-01-19. Review status: criteria provided, single submitter. Criteria: Invitae Variant Classification Sherloc (09022015). Collection method: clinical testing. Allele origin: germline.
Comment: This sequence change replaces arginine, which is basic and polar, with tryptophan, which is neutral and slightly polar, at codon 80 of the SMAD3 protein (p.Arg80Trp). This variant is not present in population databases (gnomAD no frequency). This missense change has been observed in individual(s) with aortic dilation (PMID: 33059708). ClinVar contains an entry for this variant (Variation ID: 405563). Invitae Evidence Modeling incorporating data from in vitro experimental studies (internal data) indicates that this missense variant is not expected to disrupt SMAD3 function with a negative predictive value of 95%. In summary, the available evidence is currently insufficient to determine the role of this variant in disease. Therefore, it has been classified as a Variant of Uncertain Significance.

GeneDx
Classification: Uncertain significance. Last evaluated: 2025-08-14. Review status: criteria provided, single submitter. Criteria: GeneDx Variant Classification Process June 2021. Collection method: clinical testing. Allele origin: germline. Affected: yes.
Comment: In silico analysis supports that this missense variant has a deleterious effect on protein structure/function; Not observed at significant frequency in large population cohorts (gnomAD); This variant is associated with the following publications: (PMID: 33059708)

PreventionGenetics, part of Exact Sciences
Classification: Uncertain significance for SMAD3-related condition. Last evaluated: 2025-08-12. Review status: criteria provided, single submitter. Criteria: ACMG Guidelines, 2015. Collection method: clinical testing. Allele origin: germline.
Comment: The SMAD3 c.238C>T variant is predicted to result in the amino acid substitution p.Arg80Trp. This variant has been reported in a cohort of individuals with Marfan syndrome or related aortopathies (Additional file 1, Stengl et al. 2020. PubMed ID: 33059708). This variant has not been reported in a large population database (gnomAD), indicating this variant is rare. Although we suspect that this variant may be pathogenic, at this time, the clinical significance of this variant is uncertain due to the absence of conclusive functional and genetic evidence.

Ambry Genetics
Classification: Uncertain significance for Familial thoracic aortic aneurysm and aortic dissection. Last evaluated: 2024-07-15. Review status: criteria provided, single submitter. Criteria: Ambry Variant Classification Scheme 2023. Collection method: clinical testing. Allele origin: germline.
Comment: The p.R80W variant (also known as c.238C>T), located in coding exon 2 of the SMAD3 gene, results from a C to T substitution at nucleotide position 238. The arginine at codon 80 is replaced by tryptophan, an amino acid with dissimilar properties. This alteration has been reported in a Marfan syndrome genetic testing cohort (Stengl R et al. Orphanet J Rare Dis, 2020 Oct;15:290). This amino acid position is highly conserved in available vertebrate species. In addition, this alteration is predicted to be deleterious by in silico analysis. Based on the available evidence, the clinical significance of this variant remains unclear.

All of Us Research Program, National Institutes of Health
Classification: Uncertain significance for Aneurysm-osteoarthritis syndrome. Last evaluated: 2023-08-15. Review status: criteria provided, single submitter. Criteria: ACMG Guidelines, 2015. Collection method: clinical testing. Allele origin: germline. Inheritance: Autosomal dominant inheritance. Observed: 1 variant allele, 1 heterozygote.
Comment: This missense variant replaces arginine with tryptophan at codon 80 of the SMAD3 protein. Computational prediction suggests that this variant may have a deleterious impact on protein structure and function (internally defined REVEL score threshold >= 0.7, PMID: 27666373). To our knowledge, functional studies have not been reported for this variant. This variant has not been reported in individuals affected with SMAD3-related disorders in the literature. This variant has not been identified in the general population by the Genome Aggregation Database (gnomAD). The available evidence is insufficient to determine the role of this variant in disease conclusively. Therefore, this variant is classified as a Variant of Uncertain Significance.

This study involves interpretation of variants in research participants for the purpose of population health screening. Participant phenotype was not available at the time of variant classification. Additional details can be found in publication PMID: 35346344, PMCID: PMC8962531

Fulgent Genetics
Classification: Uncertain significance for Aneurysm-osteoarthritis syndrome. Last evaluated: 2018-10-31. Review status: criteria provided, single submitter. Criteria: ACMG Guidelines, 2015. Collection method: clinical testing. Allele origin: unknown.

Literature cited by the submitters: PubMed 33059708 (cited by Labcorp Genetics (formerly Invitae), Labcorp and Ambry Genetics).

NM_005902.4(SMAD3):c.238C>T (p.Arg80Trp)

Gene: SMAD3 (SMAD family member 3; plus strand). Cytogenetic location: 15q22.33.
Variant type: single nucleotide variant.
Coding change: c.238C>T on transcript NM_005902.4 (MANE Select); coding-DNA position 238, C replaced by T.
Protein change: p.Arg80Trp; replaces arginine 80 with tryptophan.
Molecular consequence: missense variant. On other transcripts: 5 prime UTR variant (1).
Genome position (GRCh38, 1-based): chr15:67,164,926, C>T. VCF-style: chr15-67164926-C-T. GRCh37 (hg19) VCF-style: chr15-67457264-C-T.
Other names: c.-78C>T (NM_001145102.2); c.106C>T, p.Arg36Trp (NM_001145103.2); short protein forms R80W, R36W.
Identifiers: ClinVar variation 405563 (VCV000405563.13), dbSNP rs750707381, ClinGen allele CA16614877.